The following is an entry in ClinVar:

NM_032603.5(LOXL3):c.77C>G (p.Ser26Cys)

Genes: DOK1 (docking protein 1; plus strand), LOXL3 (lysyl oxidase like 3; minus strand). Cytogenetic location: 2p13.1.
Variant type: single nucleotide variant.
Coding change: c.77C>G on transcript NM_032603.5 (MANE Select); coding-DNA position 77, C replaced by G.
Protein change: p.Ser26Cys; replaces serine 26 with cysteine.
Molecular consequence: missense variant. On other transcripts: intron variant (1).
Genome position (GRCh38, 1-based): chr2:74,552,558, G>C on the plus strand (C>G on the coding strand, the complement: LOXL3 is on the minus strand). VCF-style: chr2-74552558-G-C. GRCh37 (hg19) VCF-style: chr2-74779685-G-C.
Other names: c.77C>G, p.Ser26Cys (NM_001289164.3); c.-357-2596G>C (NM_001197260.2); short protein forms S26C.
Identifiers: ClinVar variation 1491706 (VCV001491706.6), dbSNP rs2104453673, ClinGen allele CA347397872.
Genomic context (GRCh38, chr2:74,552,558, plus strand): 5'-AGCCGGAACCGAAGCCCCTGGCTCCCGGCCTTCTTCTCAGGGCCCGTGGAAGGGGACGGA[G>C]ACCCCAAGCACGAACTGCACAGCAGGCACAGCAGCAGCCCCCAGGGGCTCCACTGCCAGA-3'
Protein context (NP_115992.1, residues 16-36): LCLLCSSCLG[Ser26Cys]PSPSTGPEKK

ClinVar aggregate classification (germline): Uncertain significance (1 of 4 stars; one submission).

Submission:

Labcorp Genetics (formerly Invitae), Labcorp
Classification: Uncertain significance. Last evaluated: 2021-08-11. Review status: criteria provided, single submitter. Criteria: Invitae Variant Classification Sherloc (09022015). Collection method: clinical testing. Allele origin: germline.
Comment: This sequence change replaces serine with cysteine at codon 26 of the LOXL3 protein (p.Ser26Cys). The serine residue is moderately conserved and there is a moderate physicochemical difference between serine and cysteine. This variant is not present in population databases (ExAC no frequency). This variant has not been reported in the literature in individuals affected with LOXL3-related conditions. Algorithms developed to predict the effect of missense changes on protein structure and function are either unavailable or do not agree on the potential impact of this missense change (SIFT: "Deleterious"; PolyPhen-2: "Benign"; Align-GVGD: "Class C0"). In summary, the available evidence is currently insufficient to determine the role of this variant in disease. Therefore, it has been classified as a Variant of Uncertain Significance.